The following is an entry in ClinVar:

NM_001378030.1(CCDC78):c.341C>T (p.Pro114Leu)

Gene: CCDC78 (coiled-coil domain containing 78; minus strand). Cytogenetic location: 16p13.3.
Variant type: single nucleotide variant.
Coding change: c.341C>T on transcript NM_001378030.1 (MANE Select); coding-DNA position 341, C replaced by T.
Protein change: p.Pro114Leu; replaces proline 114 with leucine.
Molecular consequence: missense variant. On other transcripts: non-coding transcript variant (5), intron variant (1).
Genome position (GRCh38, 1-based): chr16:725,507, G>A on the plus strand (C>T on the coding strand, the complement: CCDC78 is on the minus strand). VCF-style: chr16-725507-G-A. GRCh37 (hg19) VCF-style: chr16-775507-G-A.
Other names: c.341C>T, p.Pro114Leu (NM_001031737.3, NM_001378031.1); c.-18-214C>T (NM_001378033.1); short protein forms P114L.
Identifiers: ClinVar variation 1044789 (VCV001044789.8), dbSNP rs749051279, ClinGen allele CA7789644.

ClinVar aggregate classification (germline): Uncertain significance (1 of 4 stars; one submission).

Conditions:
Congenital myopathy with internal nuclei and atypical cores. Also called: Myopathy, centronuclear, 4. Identifiers: Orphanet 319160, MedGen C4707232, MONDO:0013890, OMIM 614807.

Allele frequency attached by ClinVar (database versions not stated): gnomAD exomes 0.00003; ExAC 0.00004.

Submission:

Labcorp Genetics (formerly Invitae), Labcorp
Classification: Uncertain significance for Congenital myopathy with internal nuclei and atypical cores. Last evaluated: 2024-02-24. Review status: criteria provided, single submitter. Criteria: Invitae Variant Classification Sherloc (09022015). Collection method: clinical testing. Allele origin: germline.
Comment: This sequence change replaces proline, which is neutral and non-polar, with leucine, which is neutral and non-polar, at codon 114 of the CCDC78 protein (p.Pro114Leu). This variant is present in population databases (rs749051279, gnomAD 0.03%). This variant has not been reported in the literature in individuals affected with CCDC78-related conditions. ClinVar contains an entry for this variant (Variation ID: 1044789). Advanced modeling of protein sequence and biophysical properties (such as structural, functional, and spatial information, amino acid conservation, physicochemical variation, residue mobility, and thermodynamic stability) performed at Invitae indicates that this missense variant is not expected to disrupt CCDC78 protein function with a negative predictive value of 80%. In summary, the available evidence is currently insufficient to determine the role of this variant in disease. Therefore, it has been classified as a Variant of Uncertain Significance.